The following is an entry in ClinVar:

ClinVar aggregate classification (germline): Uncertain significance (1 of 4 stars; one submission).

Submission:

Labcorp Genetics (formerly Invitae), Labcorp
Classification: Uncertain significance. Last evaluated: 2022-07-26. Review status: criteria provided, single submitter. Criteria: Invitae Variant Classification Sherloc (09022015). Collection method: clinical testing. Allele origin: germline.
Comment: In summary, the available evidence is currently insufficient to determine the role of this variant in disease. Therefore, it has been classified as a Variant of Uncertain Significance. Advanced modeling of protein sequence and biophysical properties (such as structural, functional, and spatial information, amino acid conservation, physicochemical variation, residue mobility, and thermodynamic stability) performed at Invitae indicates that this missense variant is not expected to disrupt NOTCH3 protein function. ClinVar contains an entry for this variant (Variation ID: 1057230). This variant has not been reported in the literature in individuals affected with NOTCH3-related conditions. This variant is not present in population databases (gnomAD no frequency). This sequence change replaces proline, which is neutral and non-polar, with leucine, which is neutral and non-polar, at codon 882 of the NOTCH3 protein (p.Pro882Leu).

NM_000435.3(NOTCH3):c.2645C>T (p.Pro882Leu)

Gene: NOTCH3 (notch receptor 3; minus strand). Cytogenetic location: 19p13.12.
Variant type: single nucleotide variant.
Coding change: c.2645C>T on transcript NM_000435.3 (MANE Select); coding-DNA position 2645, C replaced by T.
Protein change: p.Pro882Leu; replaces proline 882 with leucine.
Molecular consequence: missense variant.
Genome position (GRCh38, 1-based): chr19:15,181,723, G>A on the plus strand (C>T on the coding strand, the complement: NOTCH3 is on the minus strand). VCF-style: chr19-15181723-G-A. GRCh37 (hg19) VCF-style: chr19-15292534-G-A.
Other names: short protein forms P882L.
Identifiers: ClinVar variation 1057230 (VCV001057230.10), dbSNP rs760472019, ClinGen allele CA404517427.
Genomic context (GRCh38, chr19:15,181,723, plus strand): 5'-GTACAGGTGCCCGGGCCGCAGGGGTTGCTCAGGCACTCATCCACATCGCGGGCGCATCGT[G>A]GGCCGGCGAAACCAGGGAGGCAGGAGCAGGAAAAGGAGCCCACGCCGTCTTGGCACGAGC-3'
Protein context (NP_000426.2, residues 872-892): SCSCLPGFAG[Pro882Leu]RCARDVDECL